The following is an entry in ClinVar:

NM_000090.4(COL3A1):c.3192A>C (p.Arg1064Ser)

Gene: COL3A1 (collagen type III alpha 1 chain; plus strand). Cytogenetic location: 2q32.2.
Variant type: single nucleotide variant.
Coding change: c.3192A>C on transcript NM_000090.4 (MANE Select); coding-DNA position 3192, A replaced by C.
Protein change: p.Arg1064Ser; replaces arginine 1064 with serine.
Molecular consequence: missense variant.
Genome position (GRCh38, 1-based): chr2:189,006,443, A>C. VCF-style: chr2-189006443-A-C. GRCh37 (hg19) VCF-style: chr2-189871169-A-C.
Other names: short protein forms R1064S.
Identifiers: ClinVar variation 3634104 (VCV003634104.2).

ClinVar aggregate classification (germline): Uncertain significance (1 of 4 stars; one submission).

Conditions:
Ehlers-Danlos syndrome, type 4 (EDSVASC). Also called: Ehlers-Danlos syndrome vascular type; Ehlers Danlos syndrome, ecchymotic type; Ehlers Danlos syndrome, arterial type; Ehlers Danlos syndrome, Sack-Barabas type; Ehlers-Danlos Syndrome Type IV. Identifiers: Orphanet 286, MedGen C0268338, MONDO:0017314, OMIM 130050.

Submission:

Labcorp Genetics (formerly Invitae), Labcorp
Classification: Uncertain significance for Ehlers-Danlos syndrome, type 4. Last evaluated: 2024-06-15. Review status: criteria provided, single submitter. Criteria: Invitae Variant Classification Sherloc (09022015). Collection method: clinical testing. Allele origin: germline.
Comment: This sequence change replaces arginine, which is basic and polar, with serine, which is neutral and polar, at codon 1064 of the COL3A1 protein (p.Arg1064Ser). This variant is not present in population databases (gnomAD no frequency). This variant has not been reported in the literature in individuals affected with COL3A1-related conditions. Advanced modeling of protein sequence and biophysical properties (such as structural, functional, and spatial information, amino acid conservation, physicochemical variation, residue mobility, and thermodynamic stability) has been performed at Invitae for this missense variant, however the output from this modeling did not meet the statistical confidence thresholds required to predict the impact of this variant on COL3A1 protein function. In summary, the available evidence is currently insufficient to determine the role of this variant in disease. Therefore, it has been classified as a Variant of Uncertain Significance.